The following is an entry in ClinVar:

NM_001330311.2(DVL1):c.1990C>T (p.Arg664Trp)

Gene: DVL1 (dishevelled segment polarity protein 1; minus strand). Cytogenetic location: 1p36.33.
Variant type: single nucleotide variant.
Coding change: c.1990C>T on transcript NM_001330311.2 (MANE Select); coding-DNA position 1990, C replaced by T.
Protein change: p.Arg664Trp; replaces arginine 664 with tryptophan.
Molecular consequence: missense variant.
Genome position (GRCh38, 1-based): chr1:1,336,240, G>A on the plus strand (C>T on the coding strand, the complement: DVL1 is on the minus strand). VCF-style: chr1-1336240-G-A. GRCh37 (hg19) VCF-style: chr1-1271620-G-A.
Other names: c.1915C>T, p.Arg639Trp (NM_004421.3); c.1915C>T (NM_004421.2); short protein forms R664W, R639W.
Identifiers: ClinVar variation 2742244 (VCV002742244.4), dbSNP rs760024382, ClinGen allele CA337854064.
Genomic context (GRCh38, chr1:1,336,240, plus strand): 5'-TAGCCTTCTGGAAGGACTGGCGGCTGCCTGTCAATTCCGGGGGGACGGCAGCCAGCTCCC[G>A]GACAGGGGGTCCCCCGGGTGGCCCCCCCACCACTGTATAGGCCTTGGTCGTGGGGTGGGG-3'
Protein context (NP_001317240.1, residues 654-674): VGGPPGGPPV[Arg664Trp]ELAAVPPELT

ClinVar aggregate classification (germline): Uncertain significance. Review status: criteria provided, multiple submitters, no conflicts (2 of 4 stars). 2 submissions from 2 submitters: Uncertain significance (2). Last evaluated 2024-12-18.

Conditions:
Inborn genetic diseases. Identifiers: MedGen C0950123, MeSH D030342.

Allele frequency attached by ClinVar (database versions not stated): gnomAD 0.00002; 1000 Genomes Project 30x 0.00016.
gnomAD v4.1: 15 of 1,558,542 alleles (0.00096%); highest among the groups gnomAD compares: East Asian, 0.0071%; no homozygotes.

Submissions (2):

Labcorp Genetics (formerly Invitae), Labcorp
Classification: Uncertain significance. Last evaluated: 2024-12-18. Review status: criteria provided, single submitter. Criteria: Invitae Variant Classification Sherloc (09022015). Collection method: clinical testing. Allele origin: germline.
Comment: This sequence change replaces arginine, which is basic and polar, with tryptophan, which is neutral and slightly polar, at codon 639 of the DVL1 protein (p.Arg639Trp). The frequency data for this variant in the population databases is considered unreliable, as metrics indicate poor data quality at this position in the gnomAD database. This variant has not been reported in the literature in individuals affected with DVL1-related conditions. ClinVar contains an entry for this variant (Variation ID: 2742244). Invitae Evidence Modeling of protein sequence and biophysical properties (such as structural, functional, and spatial information, amino acid conservation, physicochemical variation, residue mobility, and thermodynamic stability) has been performed for this missense variant. However, the output from this modeling did not meet the statistical confidence thresholds required to predict the impact of this variant on DVL1 protein function. In summary, the available evidence is currently insufficient to determine the role of this variant in disease. Therefore, it has been classified as a Variant of Uncertain Significance.

Ambry Genetics
Classification: Uncertain significance for Inborn genetic diseases. Last evaluated: 2023-12-22. Review status: criteria provided, single submitter. Criteria: Ambry Variant Classification Scheme 2023. Collection method: clinical testing. Allele origin: germline.